The following is an entry in ClinVar:

NM_003108.4(SOX11):c.673G>A (p.Asp225Asn)

Gene: SOX11 (SRY-box transcription factor 11; plus strand). Cytogenetic location: 2p25.2.
Variant type: single nucleotide variant.
Coding change: c.673G>A on transcript NM_003108.4 (MANE Select); coding-DNA position 673, G replaced by A.
Protein change: p.Asp225Asn; replaces aspartic acid 225 with asparagine.
Molecular consequence: missense variant.
Genome position (GRCh38, 1-based): chr2:5,693,394, G>A. VCF-style: chr2-5693394-G-A. GRCh37 (hg19) VCF-style: chr2-5833526-G-A.
Other names: short protein forms D225N.
Identifiers: ClinVar variation 2536916 (VCV002536916.2), dbSNP rs2465088103, ClinGen allele CA345867200.
Genomic context (GRCh38, chr2:5,693,394, plus strand): 5'-GTGAGCGGCTCGGGCGGCGGCGGCGCGGGCAAGACGGTCAAGTGCGTGTTTCTGGATGAG[G>A]ACGACGACGACGACGACGACGACGACGAGCTGCAGCTGCAGATCAAACAGGAGCCGGACG-3'
Protein context (NP_003099.1, residues 215-235): KTVKCVFLDE[Asp225Asn]DDDDDDDDEL

ClinVar aggregate classification (germline): Uncertain significance (1 of 4 stars; one submission).

Conditions:
Inborn genetic diseases. Identifiers: MedGen C0950123, MeSH D030342.

Submission:

Ambry Genetics
Classification: Uncertain significance for Inborn genetic diseases. Last evaluated: 2023-05-24. Review status: criteria provided, single submitter. Criteria: Ambry Variant Classification Scheme 2023. Collection method: clinical testing. Allele origin: germline.
Comment: The c.673G>A (p.D225N) alteration is located in exon 1 (coding exon 1) of the SOX11 gene. This alteration results from a G to A substitution at nucleotide position 673, causing the aspartic acid (D) at amino acid position 225 to be replaced by an asparagine (N). This variant was not reported in population-based cohorts in the Genome Aggregation Database (gnomAD). This amino acid position is not well conserved in available vertebrate species. This missense alteration is located in a region that has a low rate of benign missense variation (Lek, 2016; Firth, 2009). This alteration is predicted to be tolerated by in silico analysis. Based on insufficient or conflicting evidence, the clinical significance of this alteration remains unclear.